The following is an entry in ClinVar:

NM_173628.4(DNAH17):c.1519A>G (p.Ile507Val)

Gene: DNAH17 (dynein axonemal heavy chain 17; minus strand). Cytogenetic location: 17q25.3.
Variant type: single nucleotide variant.
Coding change: c.1519A>G on transcript NM_173628.4 (MANE Select); coding-DNA position 1519, A replaced by G.
Protein change: p.Ile507Val; replaces isoleucine 507 with valine.
Molecular consequence: missense variant.
Genome position (GRCh38, 1-based): chr17:78,566,664, T>C on the plus strand (A>G on the coding strand, the complement: DNAH17 is on the minus strand). VCF-style: chr17-78566664-T-C. GRCh37 (hg19) VCF-style: chr17-76562746-T-C.
Other names: short protein forms I507V.
Identifiers: ClinVar variation 1694864 (VCV001694864.31), dbSNP rs2143693197, ClinGen allele CA401286042.

ClinVar aggregate classification (germline): Uncertain significance (1 of 4 stars; one submission).

Submission:

CeGaT Center for Human Genetics Tuebingen
Classification: Uncertain significance. Last evaluated: 2022-06-01. Review status: criteria provided, single submitter. Criteria: CeGaT Center For Human Genetics Tuebingen Variant Classification Criteria Version 2. Collection method: clinical testing. Allele origin: germline. Affected: yes. Observed: 1 variant allele.
Comment: DNAH17: PM2, BP4